The following is an entry in ClinVar:

NM_182746.3(MCM4):c.1344G>C (p.Leu448Phe)

Gene: MCM4 (minichromosome maintenance complex component 4; plus strand). Cytogenetic location: 8q11.21.
Variant type: single nucleotide variant.
Coding change: c.1344G>C on transcript NM_182746.3 (MANE Select); coding-DNA position 1344, G replaced by C.
Protein change: p.Leu448Phe; replaces leucine 448 with phenylalanine.
Molecular consequence: missense variant.
Genome position (GRCh38, 1-based): chr8:47,969,967, G>C. VCF-style: chr8-47969967-G-C. GRCh37 (hg19) VCF-style: chr8-48882527-G-C.
Other names: c.1344G>C, p.Leu448Phe (NM_005914.4); short protein forms L448F.
Identifiers: ClinVar variation 1364328 (VCV001364328.9), dbSNP rs2154505301, ClinGen allele CA371151574.

ClinVar aggregate classification (germline): Uncertain significance (1 of 4 stars; one submission).

gnomAD v4.1: 2 of 1,614,238 alleles (0.00012%); highest among the groups gnomAD compares: Non-Finnish European, 0.00017%; no homozygotes.

Submission:

Labcorp Genetics (formerly Invitae), Labcorp
Classification: Uncertain significance. Last evaluated: 2022-07-19. Review status: criteria provided, single submitter. Criteria: Invitae Variant Classification Sherloc (09022015). Collection method: clinical testing. Allele origin: germline.
Comment: In summary, the available evidence is currently insufficient to determine the role of this variant in disease. Therefore, it has been classified as a Variant of Uncertain Significance. Algorithms developed to predict the effect of missense changes on protein structure and function (SIFT, PolyPhen-2, Align-GVGD) all suggest that this variant is likely to be tolerated. ClinVar contains an entry for this variant (Variation ID: 1364328). This variant has not been reported in the literature in individuals affected with MCM4-related conditions. This variant is not present in population databases (gnomAD no frequency). This sequence change replaces leucine, which is neutral and non-polar, with phenylalanine, which is neutral and non-polar, at codon 448 of the MCM4 protein (p.Leu448Phe).